The following is an entry in ClinVar:

NM_178138.6(LHX3):c.595C>A (p.Arg199Ser)

Gene: LHX3 (LIM homeobox 3; minus strand). Cytogenetic location: 9q34.3.
Variant type: single nucleotide variant.
Coding change: c.595C>A on transcript NM_178138.6 (MANE Select); coding-DNA position 595, C replaced by A.
Protein change: p.Arg199Ser; replaces arginine 199 with serine.
Molecular consequence: missense variant.
Genome position (GRCh38, 1-based): chr9:136,198,919, G>T on the plus strand (C>A on the coding strand, the complement: LHX3 is on the minus strand). VCF-style: chr9-136198919-G-T. GRCh37 (hg19) VCF-style: chr9-139090765-G-T.
Other names: c.562C>A, p.Arg188Ser (NM_001363746.1); c.610C>A, p.Arg204Ser (NM_014564.5); short protein forms R188S, R199S, R204S.
Identifiers: ClinVar variation 4683070 (VCV004683070.1).

ClinVar aggregate classification (germline): Uncertain significance (1 of 4 stars; one submission).

Conditions:
Congenital hypothyroidism. Identifiers: Orphanet 442, MedGen C0010308, MONDO:0018612, HP:0000851.

Submission:

Cambridge Genomics Laboratory, East Genomic Laboratory Hub, NHS Genomic Medicine Service
Classification: Uncertain significance for Congenital hypothyroidism. Last evaluated: 2025-02-27. Review status: criteria provided, single submitter. Criteria: ACGS Best Practice Guidelines for Variant Classification in Rare Disease 2020. Collection method: clinical testing. Allele origin: germline. Affected: yes.
Comment: PM2,PP3